The following is an entry in ClinVar:

NM_001382430.1(AKT1):c.188T>C (p.Met63Thr)

Gene: AKT1 (AKT serine/threonine kinase 1; minus strand). Cytogenetic location: 14q32.33.
Variant type: single nucleotide variant.
Coding change: c.188T>C on transcript NM_001382430.1 (MANE Select); coding-DNA position 188, T replaced by C.
Protein change: p.Met63Thr; replaces methionine 63 with threonine.
Molecular consequence: missense variant.
Genome position (GRCh38, 1-based): chr14:104,776,758, A>G on the plus strand (T>C on the coding strand, the complement: AKT1 is on the minus strand). VCF-style: chr14-104776758-A-G. GRCh37 (hg19) VCF-style: chr14-105243095-A-G.
Other names: c.188T>C, p.Met63Thr (NM_001014431.2, NM_001014432.2, NM_001382431.1 and 3 more transcripts); short protein forms M63T.
Identifiers: ClinVar variation 4574116 (VCV004574116.1).

ClinVar aggregate classification (germline): Uncertain significance (1 of 4 stars; one submission).

Conditions:
Inborn genetic diseases. Identifiers: MedGen C0950123, MeSH D030342.

Submission:

Ambry Genetics
Classification: Uncertain significance for Inborn genetic diseases. Last evaluated: 2025-11-24. Review status: criteria provided, single submitter. Criteria: Ambry Variant Classification Scheme 2023. Collection method: clinical testing. Allele origin: germline.
Comment: The p.M63T variant (also known as c.188T>C), located in coding exon 3 of the AKT1 gene, results from a T to C substitution at nucleotide position 188. The methionine at codon 63 is replaced by threonine, an amino acid with similar properties. This amino acid position is conserved. In addition, this alteration is predicted to be deleterious by in silico analysis. Based on the available evidence, the clinical significance of this variant remains unclear.